The following is an entry in ClinVar:

ClinVar aggregate classification (germline): Benign/Likely benign. Review status: criteria provided, multiple submitters, no conflicts (2 of 4 stars). 10 submissions from 10 submitters: Benign (6); Likely benign (1). 3 of the submissions do not count toward it. Last evaluated 2026-02-01.

Conditions:
NEBL-related disorder. Also called: NEBL-related condition.
Primary dilated cardiomyopathy (DCM). Also called: Dilated Cardiomyopathy. Identifiers: Orphanet 217604, MedGen C0007193, MeSH D002311, MONDO:0005021, HP:0001644. Inheritance: Various modes of inheritance.

Allele frequency attached by ClinVar (database versions not stated): ESP Exome Variant Server 0.00054; TOPMed 0.00112; 1000 Genomes Project 0.00120; gnomAD exomes 0.00185 and 0.00240; ExAC 0.00194; gnomAD 0.00211 and 0.00213.

Submissions (10):

Labcorp Genetics (formerly Invitae), Labcorp
Classification: Benign for Primary dilated cardiomyopathy. Last evaluated: 2026-02-01. Review status: criteria provided, single submitter. Criteria: Invitae Variant Classification Sherloc (09022015). Collection method: clinical testing. Allele origin: germline.

Women's Health and Genetics/Laboratory Corporation of America, LabCorp
Classification: Benign. Last evaluated: 2025-04-29. Review status: criteria provided, single submitter. Criteria: LabCorp Variant Classification Summary - May 2015. Collection method: clinical testing. Allele origin: germline.

CeGaT Center for Human Genetics Tuebingen
Classification: Benign. Last evaluated: 2022-08-01. Review status: criteria provided, single submitter. Criteria: CeGaT Center For Human Genetics Tuebingen Variant Classification Criteria Version 2. Collection method: clinical testing. Allele origin: germline. Affected: yes. Observed: 1 variant allele.
Comment: NEBL: BS1, BS2

Ambry Genetics
Classification: Likely benign. Last evaluated: 2022-05-24. Review status: criteria provided, single submitter. Criteria: Ambry Variant Classification Scheme 2023. Collection method: clinical testing. Allele origin: germline.

Laboratory for Molecular Medicine, Mass General Brigham Personalized Medicine
Classification: Benign. Last evaluated: 2015-06-10. Review status: criteria provided, single submitter. Criteria: LMM Criteria. Collection method: clinical testing. Allele origin: germline. Observed: 4 variant alleles.
Comment: p.Leu37Leu in exon 2 of NEBL: This variant is not expected to have clinical sign ificance because it has been identified in 1.3% (88/6594) of Finnish chromosomes , including 1 homozygote by the Exome Aggregation Consortium (ExAC.; dbSNP rs140734883).

GeneDx
Classification: Benign. Last evaluated: 2014-09-19. Review status: criteria provided, single submitter. Criteria: GeneDx Variant Classification (06012015). Collection method: clinical testing. Allele origin: germline. Affected: yes.
Comment: This variant is considered likely benign or benign based on one or more of the following criteria: it is a conservative change, it occurs at a poorly conserved position in the protein, it is predicted to be benign by multiple in silico algorithms, and/or has population frequency not consistent with disease.

Breakthrough Genomics
Classification: Benign. Review status: criteria provided, single submitter. Criteria: ACMG Guidelines, 2015. Collection method: not provided. Allele origin: germline. Inheritance: Unknown mechanism. Affected: yes.

PreventionGenetics, part of Exact Sciences
Classification: Benign for NEBL-related condition. Last evaluated: 2019-05-03. Review status: no assertion criteria provided. Collection method: clinical testing. Allele origin: germline. Not counted in ClinVar's aggregate classification.
Comment: This variant is classified as benign based on ACMG/AMP sequence variant interpretation guidelines (Richards et al. 2015 PMID: 25741868, with internal and published modifications).

Clinical Genetics DNA and cytogenetics Diagnostics Lab, Erasmus MC, Erasmus Medical Center
Classification: Likely benign. Review status: no assertion criteria provided. Collection method: clinical testing. Allele origin: germline. Affected: yes. Study: VKGL Data-share Consensus. Not counted in ClinVar's aggregate classification.

Genome Diagnostics Laboratory, University Medical Center Utrecht
Classification: Likely benign. Review status: no assertion criteria provided. Collection method: clinical testing. Allele origin: germline. Affected: yes. Study: VKGL Data-share Consensus. Not counted in ClinVar's aggregate classification.

NM_006393.3(NEBL):c.109T>C (p.Leu37=)

Gene: NEBL (nebulette; minus strand). Cytogenetic location: 10p12.31.
Variant type: single nucleotide variant.
Coding change: c.109T>C on transcript NM_006393.3 (MANE Select); coding-DNA position 109, T replaced by C.
Protein change: p.Leu37=; no amino-acid change (leucine 37 retained).
Molecular consequence: synonymous variant. On other transcripts: intron variant (9).
Genome position (GRCh38, 1-based): chr10:20,897,002, A>G on the plus strand (T>C on the coding strand, the complement: NEBL is on the minus strand). VCF-style: chr10-20897002-A-G. GRCh37 (hg19) VCF-style: chr10-21185931-A-G.
Other names: p.L37L:TTA>CTA; c.249+64670T>C (NM_001377326.1, NM_001377327.1, NM_001377328.1); c.357+64670T>C (NM_213569.2, NM_001173484.2, NM_001377322.1); c.300+64670T>C (NM_001377324.1); c.291+64670T>C (NM_001377325.1); c.309+64670T>C (NM_001377323.1).
Identifiers: ClinVar variation 45473 (VCV000045473.48), dbSNP rs140734883, ClinGen allele CA136383.